The following is an entry in ClinVar:

NM_002253.4(KDR):c.1768C>T (p.Pro590Ser)

Gene: KDR (kinase insert domain receptor; minus strand). Cytogenetic location: 4q12.
Variant type: single nucleotide variant.
Coding change: c.1768C>T on transcript NM_002253.4 (MANE Select); coding-DNA position 1768, C replaced by T.
Protein change: p.Pro590Ser; replaces proline 590 with serine.
Molecular consequence: missense variant.
Genome position (GRCh38, 1-based): chr4:55,104,862, G>A on the plus strand (C>T on the coding strand, the complement: KDR is on the minus strand). VCF-style: chr4-55104862-G-A. GRCh37 (hg19) VCF-style: chr4-55971029-G-A.
Other names: c.1768C>T (NM_002253.2); short protein forms P590S.
Identifiers: ClinVar variation 2654762 (VCV002654762.25), dbSNP rs140825421, ClinGen allele CA2924619.

ClinVar aggregate classification (germline): Conflicting classifications of pathogenicity. Review status: criteria provided, conflicting classifications (1 of 4 stars). 2 submissions from 2 submitters: Uncertain significance (1); Likely benign (1). Last evaluated 2025-09-10.

Allele frequency attached by ClinVar (database versions not stated): TOPMed below 0.00001; gnomAD 0.00001; gnomAD exomes 0.00002; ExAC 0.00003; ESP Exome Variant Server 0.00008.
gnomAD v4.1: 31 of 1,613,874 alleles (0.0019%); highest among the groups gnomAD compares: Middle Eastern, 0.016%; no homozygotes.

Submissions (2):

Ambry Genetics
Classification: Uncertain significance. Last evaluated: 2025-09-10. Review status: criteria provided, single submitter. Criteria: Ambry Variant Classification Scheme 2023. Collection method: clinical testing. Allele origin: germline.

CeGaT Center for Human Genetics Tuebingen
Classification: Likely benign. Last evaluated: 2023-07-01. Review status: criteria provided, single submitter. Criteria: CeGaT Center For Human Genetics Tuebingen Variant Classification Criteria Version 2. Collection method: clinical testing. Allele origin: germline. Affected: yes. Observed: 1 variant allele.
Comment: KDR: BP4